The following is an entry in ClinVar:

ClinVar aggregate classification (germline): Pathogenic. Review status: criteria provided, single submitter (1 of 4 stars). 2 submissions from 2 submitters: Pathogenic (1). 1 of the submissions does not count toward it. Last evaluated 2023-07-25.

Conditions:
Abnormal cerebral morphology. Also called: Abnormality of the cerebrum. Identifiers: MedGen C4021762, HP:0002060.

Submissions (2):

GeneDx
Classification: Pathogenic. Last evaluated: 2023-07-25. Review status: criteria provided, single submitter. Criteria: GeneDx Variant Classification Process June 2021. Collection method: clinical testing. Allele origin: germline. Affected: yes.
Comment: Not observed at significant frequency in large population cohorts (gnomAD); In silico analysis supports that this missense variant has a deleterious effect on protein structure/function; This variant is associated with the following publications: (PMID: 32571897)

Diagnostic Laboratory, Strasbourg University Hospital
Classification: Pathogenic for Abnormal cerebral morphology. Review status: no assertion criteria provided. Collection method: clinical testing. Allele origin: de novo. Affected: yes. Observed: 1 heterozygote. Not counted in ClinVar's aggregate classification.

NM_001069.3(TUBB2A):c.1070C>T (p.Pro357Leu)

Gene: TUBB2A (tubulin beta 2A class IIa; minus strand). Cytogenetic location: 6p25.2.
Variant type: single nucleotide variant.
Coding change: c.1070C>T on transcript NM_001069.3 (MANE Select); coding-DNA position 1070, C replaced by T.
Protein change: p.Pro357Leu; replaces proline 357 with leucine.
Molecular consequence: missense variant.
Genome position (GRCh38, 1-based): chr6:3,154,131, G>A on the plus strand (C>T on the coding strand, the complement: TUBB2A is on the minus strand). VCF-style: chr6-3154131-G-A. GRCh37 (hg19) VCF-style: chr6-3154365-G-A.
Other names: c.815C>T, p.Pro272Leu (NM_001310315.2); short protein forms P272L, P357L.
Identifiers: ClinVar variation 1182639 (VCV001182639.4), dbSNP rs2113785083, ClinGen allele CA362591298.